The following is an entry in ClinVar:

ClinVar aggregate classification (germline): Pathogenic (1 of 4 stars; one submission).

Conditions:
Ataxia-telangiectasia syndrome (AT). Also called: Ataxia-telangiectasia; Cerebello-oculocutaneous telangiectasia; Immunodeficiency with ataxia telangiectasia; ATAXIA-TELANGIECTASIA, COMPLEMENTATION GROUP A; ATAXIA-TELANGIECTASIA, FRESNO VARIANT; Ataxia-telangiectasia, complementation group D. Identifiers: Orphanet 100, MedGen C0004135, MONDO:0008840, OMIM 208900.

Submission:

Labcorp Genetics (formerly Invitae), Labcorp
Classification: Pathogenic for Ataxia-telangiectasia syndrome. Last evaluated: 2016-07-22. Review status: criteria provided, single submitter. Criteria: Invitae Variant Classification Sherloc (09022015). Collection method: clinical testing. Allele origin: germline.
Comment: This variant is a gross deletion of the genomic region encompassing exon 29 of the ATM gene. This creates a premature translational stop signal and is expected to result in an absent or disrupted protein product. While this particular deletion has not been reported in the literature, gross deletions and truncating variants in ATM are known to be pathogenic (PMID: 25614872, 23807571). For these reasons, this variant has been classified as Pathogenic.

NC_000011.10:g.(?_108289602)_(108289801_?)del

Gene: ATM (ATM serine/threonine kinase; plus strand). Cytogenetic location: 11q22.3.
Variant type: Deletion.
Identifiers: ClinVar variation 417412 (VCV000417412.1).